The following is an entry in ClinVar:

ClinVar aggregate classification (germline): Conflicting classifications of pathogenicity. Review status: criteria provided, conflicting classifications (1 of 4 stars). 2 submissions from 2 submitters: Likely pathogenic (1); Uncertain significance (1). Last evaluated 2025-04-11.

Conditions:
Catecholaminergic polymorphic ventricular tachycardia 1. Also called: RYR2-Related Catecholaminergic Polymorphic Ventricular Tachycardia; VENTRICULAR TACHYCARDIA, STRESS-INDUCED POLYMORPHIC 1; VENTRICULAR TACHYCARDIA, CATECHOLAMINERGIC POLYMORPHIC, 1, WITH OR WITHOUT ATRIAL DYSFUNCTION AND/OR DILATED CARDIOMYOPATHY. Identifiers: Orphanet 3286, MedGen C1631597, MONDO:0011484, OMIM 604772.

Submissions (2):

Labcorp Genetics (formerly Invitae), Labcorp
Classification: Likely pathogenic for Catecholaminergic polymorphic ventricular tachycardia 1. Last evaluated: 2025-04-11. Review status: criteria provided, single submitter. Criteria: Invitae Variant Classification Sherloc (09022015). Collection method: clinical testing. Allele origin: germline.
Comment: This sequence change replaces glycine, which is neutral and non-polar, with glutamic acid, which is acidic and polar, at codon 2337 of the RYR2 protein (p.Gly2337Glu). This variant is not present in population databases (gnomAD no frequency). This variant has not been reported in the literature in individuals affected with RYR2-related conditions. ClinVar contains an entry for this variant (Variation ID: 1904758). Invitae Evidence Modeling of protein sequence and biophysical properties (such as structural, functional, and spatial information, amino acid conservation, physicochemical variation, residue mobility, and thermodynamic stability) indicates that this missense variant is expected to disrupt RYR2 protein function with a positive predictive value of 95%. This variant disrupts the p.Gly2337 amino acid residue in RYR2. Other variant(s) that disrupt this residue have been determined to be pathogenic (PMID: 28750076; internal data). This suggests that this residue is clinically significant, and that variants that disrupt this residue are likely to be disease-causing. In summary, the currently available evidence indicates that the variant is pathogenic, but additional data are needed to prove that conclusively. Therefore, this variant has been classified as Likely Pathogenic.

GeneDx
Classification: Uncertain significance. Last evaluated: 2024-10-28. Review status: criteria provided, single submitter. Criteria: GeneDx Variant Classification Process June 2021. Collection method: clinical testing. Allele origin: germline. Affected: yes.
Comment: Not observed at significant frequency in large population cohorts (gnomAD); In silico analysis supports that this missense variant has a deleterious effect on protein structure/function; Located in one of the three hot-spot regions of the RYR2 gene, where the majority of pathogenic missense variants occur (PMID: 19926015); Has not been previously published as pathogenic or benign to our knowledge; This variant is associated with the following publications: (PMID: 19926015)

Literature cited by the submitters: PubMed 28750076 (cited by Labcorp Genetics (formerly Invitae), Labcorp).

NM_001035.3(RYR2):c.7010G>A (p.Gly2337Glu)

Gene: RYR2 (ryanodine receptor 2; plus strand). Cytogenetic location: 1q43.
Variant type: single nucleotide variant.
Coding change: c.7010G>A on transcript NM_001035.3 (MANE Select); coding-DNA position 7010, G replaced by A.
Protein change: p.Gly2337Glu; replaces glycine 2337 with glutamic acid.
Molecular consequence: missense variant.
Genome position (GRCh38, 1-based): chr1:237,639,096, G>A. VCF-style: chr1-237639096-G-A. GRCh37 (hg19) VCF-style: chr1-237802396-G-A.
Other names: c.7010G>A (NM_001035.2); short protein forms G2337E.
Identifiers: ClinVar variation 1904758 (VCV001904758.6), dbSNP rs2148727943, ClinGen allele CA345395897.
Genomic context (GRCh38, chr1:237,639,096, plus strand): 5'-CAAATGTCGTGGTGAGATTGCTCATTCGGAGGCCTGAGTGTTTTGGTCCTGCTTTGAGAG[G>A]AGAAGGTGGGAATGGGCTTCTTGCAGCAATGGAAGAAGCCATCAAAATCGCCGAGGATCC-3'
Protein context (NP_001026.2, residues 2327-2347): RPECFGPALR[Gly2337Glu]EGGNGLLAAM